The following is an entry in ClinVar:

ClinVar aggregate classification (germline): Benign (1 of 4 stars; one submission).

Conditions:
Familial adenomatous polyposis 1 (FAP1). Also called: FAMILIAL ADENOMATOUS POLYPOSIS 1, ATTENUATED; POLYPOSIS, ADENOMATOUS INTESTINAL. Identifiers: MedGen C2713442, MONDO:0021056, OMIM 175100. Disease mechanism: loss of function.

Submission:

Myriad Genetics, Inc.
Classification: Benign for Familial adenomatous polyposis 1. Last evaluated: 2024-04-16. Review status: criteria provided, single submitter. Criteria: Myriad Autosomal Dominant, Autosomal Recessive and X-Linked Classification Criteria (2023). Collection method: clinical testing. Allele origin: unknown.
Comment: This variant is considered benign. This variant is a silent/synonymous amino acid change and it is not expected to impact splicing.

NM_000038.6(APC):c.8526T>A (p.Ser2842=)

Gene: APC (APC regulator of Wnt signaling pathway; plus strand). Cytogenetic location: 5q22.2.
Variant type: single nucleotide variant.
Coding change: c.8526T>A on transcript NM_000038.6 (MANE Select); coding-DNA position 8526, T replaced by A.
Protein change: p.Ser2842=; no amino-acid change (serine 2842 retained).
Molecular consequence: synonymous variant. On other transcripts: non-coding transcript variant (2).
Genome position (GRCh38, 1-based): chr5:112,844,120, T>A. VCF-style: chr5-112844120-T-A. GRCh37 (hg19) VCF-style: chr5-112179817-T-A.
Other names: c.8526T>A, p.Ser2842= (NM_001127510.3, NM_001354895.2, NM_001407450.1); c.8472T>A, p.Ser2824= (NM_001127511.3); c.8580T>A, p.Ser2860= (NM_001354896.2, NM_001407447.1, NM_001407448.1 and 1 more transcripts); c.8556T>A, p.Ser2852= (NM_001354897.2); c.8451T>A, p.Ser2817= (NM_001354898.2); c.8442T>A, p.Ser2814= (NM_001354899.2); c.8403T>A, p.Ser2801= (NM_001354900.2); c.8349T>A, p.Ser2783= (NM_001354901.2, NM_001407453.1); and 11 more.
Identifiers: ClinVar variation 3254166 (VCV003254166.1), dbSNP rs1766771863.